The following is an entry in ClinVar:

ClinVar aggregate classification (germline): Uncertain significance. Review status: criteria provided, multiple submitters, no conflicts (2 of 4 stars). 3 submissions from 3 submitters: Uncertain significance (3). Last evaluated 2025-12-17.

Conditions:
Inborn genetic diseases. Identifiers: MedGen C0950123, MeSH D030342.

Allele frequency attached by ClinVar (database versions not stated): gnomAD exomes 0.00003 and 0.00008; ExAC 0.00008; 1000 Genomes Project 30x 0.00016; 1000 Genomes Project 0.00020; gnomAD 0.00027 and 0.00031; TOPMed 0.00038; ESP Exome Variant Server 0.00039.
gnomAD v4.1: 83 of 1,613,480 alleles (0.0051%); highest among the groups gnomAD compares: African/African-American, 0.093%; no homozygotes.

Submissions (3):

Labcorp Genetics (formerly Invitae), Labcorp
Classification: Uncertain significance. Last evaluated: 2025-12-17. Review status: criteria provided, single submitter. Criteria: Invitae Variant Classification Sherloc (09022015). Collection method: clinical testing. Allele origin: germline.
Comment: This sequence change replaces asparagine, which is neutral and polar, with aspartic acid, which is acidic and polar, at codon 805 of the RP1 protein (p.Asn805Asp). This variant is present in population databases (rs145839872, gnomAD 0.1%). This variant has not been reported in the literature in individuals affected with RP1-related conditions. ClinVar contains an entry for this variant (Variation ID: 1047253). An algorithm developed to predict the effect of missense changes on protein structure and function outputs the following: PolyPhen-2: "Benign". The aspartic acid amino acid residue is found in multiple mammalian species, which suggests that this missense change does not adversely affect protein function. In summary, the available evidence is currently insufficient to determine the role of this variant in disease. Therefore, it has been classified as a Variant of Uncertain Significance.

Ambry Genetics
Classification: Uncertain significance for Inborn genetic diseases. Last evaluated: 2024-12-04. Review status: criteria provided, single submitter. Criteria: Ambry Variant Classification Scheme 2023. Collection method: clinical testing. Allele origin: germline.

Blueprint Genetics
Classification: Uncertain significance. Last evaluated: 2023-07-17. Review status: criteria provided, single submitter. Criteria: ACMG Guidelines, 2015. Collection method: clinical testing. Allele origin: germline.

NM_006269.2(RP1):c.2413A>G (p.Asn805Asp)

Gene: RP1 (RP1 axonemal microtubule associated; plus strand). Cytogenetic location: 8q12.1.
Variant type: single nucleotide variant.
Coding change: c.2413A>G on transcript NM_006269.2 (MANE Select); coding-DNA position 2413, A replaced by G.
Protein change: p.Asn805Asp; replaces asparagine 805 with aspartic acid.
Molecular consequence: missense variant. On other transcripts: intron variant (1).
Genome position (GRCh38, 1-based): chr8:54,626,295, A>G. VCF-style: chr8-54626295-A-G. GRCh37 (hg19) VCF-style: chr8-55538855-A-G.
Other names: c.787+4007A>G (NM_001375654.1); c.2413A>G (NM_006269.1); short protein forms N805D.
Identifiers: ClinVar variation 1047253 (VCV001047253.10), dbSNP rs145839872, ClinGen allele CA4751528.